The following is an entry in ClinVar:

NM_000535.7(PMS2):c.178G>A (p.Asp60Asn)

Gene: PMS2 (PMS1 homolog 2, mismatch repair system component; minus strand). Cytogenetic location: 7p22.1.
Variant type: single nucleotide variant.
Coding change: c.178G>A on transcript NM_000535.7 (MANE Select); coding-DNA position 178, G replaced by A.
Protein change: p.Asp60Asn; replaces aspartic acid 60 with asparagine.
Molecular consequence: missense variant. On other transcripts: 5 prime UTR variant (11), non-coding transcript variant (1).
Genome position (GRCh38, 1-based): chr7:6,004,044, C>T on the plus strand (G>A on the coding strand, the complement: PMS2 is on the minus strand). VCF-style: chr7-6004044-C-T. GRCh37 (hg19) VCF-style: chr7-6043675-C-T.
Other names: c.-228G>A (NM_001322003.2, NM_001322004.2, NM_001322005.2 and 3 more transcripts); c.178G>A, p.Asp60Asn (NM_001322006.2, NM_001322014.2); c.-38G>A (NM_001322007.2, NM_001322008.2); c.-707G>A (NM_001322011.2, NM_001322012.2); c.-307G>A (NM_001322015.2); short protein forms D60N.
Identifiers: ClinVar variation 187572 (VCV000187572.32), dbSNP rs587782176, ClinGen allele CA010247.

ClinVar aggregate classification (germline): Uncertain significance. Review status: criteria provided, multiple submitters, no conflicts (2 of 4 stars). 13 submissions from 13 submitters: Uncertain significance (11). 2 of the submissions do not count toward it. Last evaluated 2025-11-02.

Conditions:
PMS2-related disorder. Also called: PMS2-related condition.
Hereditary nonpolyposis colorectal neoplasms. Identifiers: MedGen C0009405, MeSH D003123.
Mismatch repair cancer syndrome 4. Identifiers: MedGen C5436817, MONDO:0030843, OMIM 619101.
Lynch syndrome 4 (LYNCH4). Also called: Hereditary non-polyposis colorectal cancer, type 4; Colorectal cancer, hereditary nonpolyposis, type 4. Identifiers: Orphanet 144, MedGen C1838333, MONDO:0013699, OMIM 614337. Disease mechanism: loss of function.
Hereditary cancer-predisposing syndrome. Also called: Tumor predisposition; Neoplastic Syndromes, Hereditary; Hereditary neoplastic syndrome; Hereditary Cancer Syndrome. Identifiers: Orphanet 140162, MedGen C0027672, MeSH D009386, MONDO:0015356.
Lynch syndrome. Identifiers: Orphanet 144, MedGen C4552100, MONDO:0005835. Disease mechanism: loss of function.

Allele frequency attached by ClinVar (database versions not stated): TOPMed below 0.00001; gnomAD exomes 0.00003 and 0.00004; ExAC 0.00007.
gnomAD v4.1: 47 of 1,585,604 alleles (0.003%); highest among the groups gnomAD compares: Non-Finnish European, 0.0037%; no homozygotes.

Submissions (13):

Labcorp Genetics (formerly Invitae), Labcorp
Classification: Uncertain significance for Hereditary nonpolyposis colorectal neoplasms. Last evaluated: 2025-11-02. Review status: criteria provided, single submitter. Criteria: Invitae Variant Classification Sherloc (09022015). Collection method: clinical testing. Allele origin: germline.
Comment: This sequence change replaces aspartic acid, which is acidic and polar, with asparagine, which is neutral and polar, at codon 60 of the PMS2 protein (p.Asp60Asn). This variant is present in population databases (rs587782176, gnomAD 0.008%). This variant has not been reported in the literature in individuals affected with PMS2-related conditions. ClinVar contains an entry for this variant (Variation ID: 187572). Invitae Evidence Modeling incorporating data from in vitro experimental studies (internal data) indicates that this missense variant is not expected to disrupt PMS2 function with a negative predictive value of 95%. In summary, the available evidence is currently insufficient to determine the role of this variant in disease. Therefore, it has been classified as a Variant of Uncertain Significance.

Women's Health and Genetics/Laboratory Corporation of America, LabCorp
Classification: Uncertain significance. Last evaluated: 2025-06-02. Review status: criteria provided, single submitter. Criteria: LabCorp Variant Classification Summary - May 2015. Collection method: clinical testing. Allele origin: germline.
Comment: Variant summary: PMS2 c.178G>A (p.Asp60Asn) results in a conservative amino acid change in the encoded protein sequence. Algorithms developed to predict the effect of missense changes on protein structure and function are either unavailable or do not agree on the potential impact of this missense change. The variant allele was found at a frequency of 3.6e-05 in 250088 control chromosomes. The available data on variant occurrences in the general population are insufficient to allow any conclusion about variant significance. However, the variant is located in a region that is highly homologous to a PMS2 pseudogene and the technology utilized for these datasets does not rule out pseudogene interference, therefore these data might not be reliable. c.178G>A has been observed in individual(s) affected with renal cell carcinoma. These report(s) do not provide unequivocal conclusions about association of the variant with Lynch Syndrome. To our knowledge, no experimental evidence demonstrating an impact on protein function has been reported. The following publication have been ascertained in the context of this evaluation (PMID: 38127826). ClinVar contains an entry for this variant (Variation ID: 187572). Based on the evidence outlined above, the variant was classified as uncertain significance.

Center for Genomic Medicine, Rigshospitalet, Copenhagen University Hospital
Classification: Uncertain significance. Last evaluated: 2025-03-04. Review status: criteria provided, single submitter. Criteria: ACMG Guidelines, 2015. Collection method: clinical testing. Allele origin: germline.

Color Diagnostics, LLC DBA Color Health
Classification: Uncertain significance for Hereditary cancer-predisposing syndrome. Last evaluated: 2025-02-03. Review status: criteria provided, single submitter. Criteria: ACMG Guidelines, 2015. Collection method: clinical testing. Allele origin: germline.
Comment: This missense variant replaces aspartic acid with asparagine at codon 60 of the PMS2 protein. Computational prediction is inconclusive regarding the impact of this variant on protein structure and function (internally defined REVEL score threshold 0.5 < inconclusive < 0.7, PMID: 27666373). To our knowledge, functional studies have not been reported for this variant. This variant has not been reported in individuals affected with PMS2-related disorders in the literature. This variant has been identified in 47/1585604 chromosomes in the general population by the Genome Aggregation Database (gnomAD). The available evidence is insufficient to determine the role of this variant in disease conclusively. Therefore, this variant is classified as a Variant of Uncertain Significance.

Ambry Genetics
Classification: Uncertain significance for Hereditary cancer-predisposing syndrome. Last evaluated: 2024-11-13. Review status: criteria provided, single submitter. Criteria: Ambry Variant Classification Scheme 2023. Collection method: clinical testing. Allele origin: germline.
Comment: The p.D60N variant (also known as c.178G>A), located in coding exon 3 of the PMS2 gene, results from a G to A substitution at nucleotide position 178. The aspartic acid at codon 60 is replaced by asparagine, an amino acid with highly similar properties. This amino acid position is not well conserved in available vertebrate species. In addition, the in silico prediction for this alteration is inconclusive. Based on the available evidence, the clinical significance of this variant remains unclear.

GeneDx
Classification: Uncertain significance. Last evaluated: 2024-03-18. Review status: criteria provided, single submitter. Criteria: GeneDx Variant Classification Process June 2021. Collection method: clinical testing. Allele origin: germline. Affected: yes.
Comment: Has not been previously published as pathogenic or benign to our knowledge; In silico analysis supports that this missense variant has a deleterious effect on protein structure/function; This variant is associated with the following publications: (PMID: 11574484)

Fulgent Genetics
Classification: Uncertain significance for Lynch syndrome 4; Mismatch repair cancer syndrome 4. Last evaluated: 2024-02-26. Review status: criteria provided, single submitter. Criteria: ACMG Guidelines, 2015. Collection method: clinical testing. Allele origin: germline.

All of Us Research Program, National Institutes of Health
Classification: Uncertain significance for Lynch syndrome. Last evaluated: 2023-11-30. Review status: criteria provided, single submitter. Criteria: ACMG Guidelines, 2015. Collection method: clinical testing. Allele origin: germline. Inheritance: Autosomal dominant inheritance. Observed: 7 variant alleles, 7 heterozygotes.
Comment: This missense variant replaces aspartic acid with asparagine at codon 60 of the PMS2 protein. Computational prediction is inconclusive regarding the impact of this variant on protein structure and function (internally defined REVEL score threshold 0.5 < inconclusive < 0.7, PMID: 27666373). To our knowledge, functional studies have not been reported for this variant. This variant has not been reported in individuals affected with PMS2-related disorders in the literature. This variant has been identified in 9/250088 chromosomes in the general population by the Genome Aggregation Database (gnomAD). The available evidence is insufficient to determine the role of this variant in disease conclusively. Therefore, this variant is classified as a Variant of Uncertain Significance.

This study involves interpretation of variants in research participants for the purpose of population health screening. Participant phenotype was not available at the time of variant classification. Additional details can be found in publication PMID: 35346344, PMCID: PMC8962531

Myriad Genetics, Inc.
Classification: Uncertain significance for Lynch syndrome 4. Last evaluated: 2023-04-04. Review status: criteria provided, single submitter. Criteria: Myriad Autosomal Dominant, Autosomal Recessive and X-Linked Classification Criteria (2023). Collection method: clinical testing. Allele origin: unknown.
Comment: This variant is classified as a variant of uncertain significance as there is insufficient evidence to determine its impact on protein function and/or cancer risk.

Blueprint Genetics
Classification: Uncertain significance. Last evaluated: 2023-03-31. Review status: criteria provided, single submitter. Criteria: ACMG Guidelines, 2015. Collection method: clinical testing. Allele origin: germline.

Quest Diagnostics Nichols Institute San Juan Capistrano
Classification: Uncertain significance. Last evaluated: 2021-06-26. Review status: criteria provided, single submitter. Criteria: Quest Diagnostics criteria. Collection method: clinical testing. Allele origin: unknown.

PreventionGenetics, part of Exact Sciences
Classification: Uncertain significance for PMS2-related condition. Last evaluated: 2024-03-14. Review status: no assertion criteria provided. Collection method: clinical testing. Allele origin: germline. Not counted in ClinVar's aggregate classification.
Comment: The PMS2 c.178G>A variant is predicted to result in the amino acid substitution p.Asp60Asn. To our knowledge, this variant has not been reported in the literature. This variant is reported in 0.0080% of alleles in individuals of European (Non-Finnish) descent in gnomAD and is interpreted as uncertain significance in ClinVar. At this time, the clinical significance of this variant is uncertain due to the absence of conclusive functional and genetic evidence.

Counsyl
Classification: Uncertain significance for Lynch syndrome 4. Last evaluated: 2018-04-09. Review status: no assertion criteria provided. Collection method: clinical testing. Allele origin: unknown. Not counted in ClinVar's aggregate classification.

Literature cited by the submitters: PubMed 38127826 (cited by Women's Health and Genetics/Laboratory Corporation of America, LabCorp).